The following is an entry in ClinVar:

ClinVar aggregate classification (germline): Pathogenic/Likely pathogenic. Review status: criteria provided, multiple submitters, no conflicts (2 of 4 stars). 2 submissions from 2 submitters: Pathogenic (1); Likely pathogenic (1). Last evaluated 2025-01-20.

Conditions:
Danon disease. Also called: PSEUDOGLYCOGENOSIS II; GSD IIb; LYSOSOMAL GLYCOGEN STORAGE DISEASE WITHOUT ACID MALTASE DEFICIENCY; Glycogen Storage Disease Type IIb; ANTOPOL DISEASE. Identifiers: Orphanet 34587, MedGen C0878677, MONDO:0010281, OMIM 300257.

Submissions (2):

Labcorp Genetics (formerly Invitae), Labcorp
Classification: Likely pathogenic for Danon disease. Last evaluated: 2025-01-20. Review status: criteria provided, single submitter. Criteria: Invitae Variant Classification Sherloc (09022015). Collection method: clinical testing. Allele origin: germline.
Comment: This sequence change affects an acceptor splice site in intron 1 of the LAMP2 gene. It is expected to disrupt RNA splicing. Variants that disrupt the donor or acceptor splice site typically lead to a loss of protein function (PMID: 16199547), and loss-of-function variants in LAMP2 are known to be pathogenic (PMID: 21415759). This variant is not present in population databases (gnomAD no frequency). This variant has not been reported in the literature in individuals affected with LAMP2-related conditions. ClinVar contains an entry for this variant (Variation ID: 180891). Algorithms developed to predict the effect of sequence changes on RNA splicing suggest that this variant may disrupt the consensus splice site. In summary, the currently available evidence indicates that the variant is pathogenic, but additional data are needed to prove that conclusively. Therefore, this variant has been classified as Likely Pathogenic.

GeneDx
Classification: Pathogenic. Last evaluated: 2023-11-05. Review status: criteria provided, single submitter. Criteria: GeneDx Variant Classification Process June 2021. Collection method: clinical testing. Allele origin: germline. Affected: yes.
Comment: Canonical splice site variant predicted to result in a null allele in a gene for which loss of function is a known mechanism of disease; Not observed at significant frequency in large population cohorts (gnomAD); Has not been previously published as pathogenic or benign to our knowledge; This variant is associated with the following publications: (PMID: 15673802, 26748608)

Literature cited by the submitters: PubMed 16199547 (cited by Labcorp Genetics (formerly Invitae), Labcorp); PubMed 21415759 (cited by Labcorp Genetics (formerly Invitae), Labcorp).

NM_002294.3(LAMP2):c.65-1G>C

Gene: LAMP2 (lysosome associated membrane protein 2; minus strand). Cytogenetic location: Xq24.
Variant type: single nucleotide variant.
Coding change: c.65-1G>C on transcript NM_002294.3 (MANE Select); the canonical splice acceptor site of the intron before coding-DNA position 65, G replaced by C.
Molecular consequence: splice acceptor variant.
Genome position (GRCh38, 1-based): chrX:120,456,770, C>G on the plus strand (G>C on the coding strand, the complement: LAMP2 is on the minus strand). VCF-style: chrX-120456770-C-G. GRCh37 (hg19) VCF-style: chrX-119590625-C-G.
Other names: c.65-1G>C (NM_001122606.1, NM_013995.2).
Identifiers: ClinVar variation 180891 (VCV000180891.11), dbSNP rs730880496, ClinGen allele CA333715.